The following is an entry in ClinVar:

NM_001277115.2(DNAH11):c.7507G>T (p.Gly2503Ter)

Gene: DNAH11 (dynein axonemal heavy chain 11; plus strand). Cytogenetic location: 7p15.3.
Variant type: single nucleotide variant.
Coding change: c.7507G>T on transcript NM_001277115.2 (MANE Select); coding-DNA position 7507, G replaced by T.
Protein change: p.Gly2503Ter; replaces glycine 2503 with a stop codon.
Molecular consequence: nonsense.
Genome position (GRCh38, 1-based): chr7:21,735,706, G>T. VCF-style: chr7-21735706-G-T. GRCh37 (hg19) VCF-style: chr7-21775324-G-T.
Other names: c.7528G>T, p.Gly2510Ter (NM_003777.3); short protein forms G2503*, G2510*.
Identifiers: ClinVar variation 2981562 (VCV002981562.3), dbSNP rs1785577120, ClinGen allele CA366948501.

ClinVar aggregate classification (germline): Pathogenic (1 of 4 stars; one submission).

Conditions:
Primary ciliary dyskinesia. Also called: Ciliary dyskinesia. Identifiers: Orphanet 244, MedGen C0008780, MONDO:0016575, HP:0012265.

Submission:

Labcorp Genetics (formerly Invitae), Labcorp
Classification: Pathogenic for Primary ciliary dyskinesia. Last evaluated: 2023-10-06. Review status: criteria provided, single submitter. Criteria: Invitae Variant Classification Sherloc (09022015). Collection method: clinical testing. Allele origin: germline.
Comment: This sequence change creates a premature translational stop signal (p.Gly2503*) in the DNAH11 gene. It is expected to result in an absent or disrupted protein product. Loss-of-function variants in DNAH11 are known to be pathogenic (PMID: 18022865, 20513915, 22184204). This variant is not present in population databases (gnomAD no frequency). This variant has not been reported in the literature in individuals affected with DNAH11-related conditions. For these reasons, this variant has been classified as Pathogenic.

Literature cited by the submitters: PubMed 18022865; PubMed 20513915; PubMed 22184204.